The following is an entry in ClinVar:

NM_001267550.2(TTN):c.6508+14C>A

Gene: TTN (titin; minus strand). Cytogenetic location: 2q31.2.
Variant type: single nucleotide variant.
Coding change: c.6508+14C>A on transcript NM_001267550.2 (MANE Select); 14 bases into the intron after coding-DNA position 6508, C replaced by A.
Molecular consequence: intron variant.
Genome position (GRCh38, 1-based): chr2:178,775,342, G>T on the plus strand (C>A on the coding strand, the complement: TTN is on the minus strand). VCF-style: chr2-178775342-G-T. GRCh37 (hg19) VCF-style: chr2-179640069-G-T.
Other names: c.6508+14C>A (NM_133378.4, NM_001256850.1, NM_133379.5); c.6370+14C>A (NM_003319.4, NM_133437.4, NM_133432.3).
Identifiers: ClinVar variation 228136 (VCV000228136.10), dbSNP rs771328770, ClinGen allele CA2005030.

ClinVar aggregate classification (germline): Likely benign. Review status: criteria provided, multiple submitters, no conflicts (2 of 4 stars). 2 submissions from 2 submitters: Likely benign (2). Last evaluated 2022-01-28.

Conditions:
Autosomal recessive limb-girdle muscular dystrophy type 2J (LGMDR10). Also called: Limb-girdle muscular dystrophy, type 2J; MUSCULAR DYSTROPHY, LIMB-GIRDLE, AUTOSOMAL RECESSIVE 10. Identifiers: Orphanet 140922, MedGen C1837342, MONDO:0012127, OMIM 608807.
Dilated cardiomyopathy 1G (CMD1G). Identifiers: Orphanet 154, MedGen C1858763, MONDO:0011400, OMIM 604145.

Allele frequency attached by ClinVar (database versions not stated): gnomAD below 0.00001 and 0.00001; gnomAD exomes below 0.00001 and 0.00001; ExAC 0.00002.
gnomAD v4.1: 7 of 1,613,586 alleles (0.00043%); highest among the groups gnomAD compares: South Asian, 0.0077%; 1 homozygote.

Submissions (2):

Labcorp Genetics (formerly Invitae), Labcorp
Classification: Likely benign for Dilated cardiomyopathy 1G; Autosomal recessive limb-girdle muscular dystrophy type 2J. Last evaluated: 2022-01-28. Review status: criteria provided, single submitter. Criteria: Invitae Variant Classification Sherloc (09022015). Collection method: clinical testing. Allele origin: germline.

Laboratory for Molecular Medicine, Mass General Brigham Personalized Medicine
Classification: Likely benign. Last evaluated: 2014-12-19. Review status: criteria provided, single submitter. Criteria: LMM Criteria. Collection method: clinical testing. Allele origin: germline. Observed: 1 variant allele.
Comment: c.6508+14C>A of TTN: This variant is not expected to have clinical significance because it is not located within the splice consensus sequence. It has been ide ntified in 2/16624 of Asian chromosomes by the Exome Aggregation Consortium (ExA C).